The following is an entry in ClinVar:

NM_001042492.3(NF1):c.1062+4A>G

Gene: NF1 (neurofibromin 1; plus strand). Cytogenetic location: 17q11.2.
Variant type: single nucleotide variant.
Coding change: c.1062+4A>G on transcript NM_001042492.3 (MANE Select); 4 bases into the intron after coding-DNA position 1062, A replaced by G.
Molecular consequence: intron variant.
Genome position (GRCh38, 1-based): chr17:31,200,599, A>G. VCF-style: chr17-31200599-A-G. GRCh37 (hg19) VCF-style: chr17-29527617-A-G.
Other names: c.1062+4A>G (NM_000267.4, NM_001128147.3).
Identifiers: ClinVar variation 1379759 (VCV001379759.6), dbSNP rs1243650794, ClinGen allele CA2573153545.

ClinVar aggregate classification (germline): Uncertain significance (1 of 4 stars; one submission).

Conditions:
Neurofibromatosis, type 1 (NF1). Also called: VON RECKLINGHAUSEN DISEASE; Peripheral type neurofibromatosis; Neurofibromatosis, type I; NEUROFIBROMATOSIS, TYPE I, SOMATIC. Identifiers: Orphanet 636, MedGen C0027831, MONDO:0018975, OMIM 162200. Disease mechanism: loss of function.

Submission:

Labcorp Genetics (formerly Invitae), Labcorp
Classification: Uncertain significance for Neurofibromatosis, type 1. Last evaluated: 2021-09-04. Review status: criteria provided, single submitter. Criteria: Invitae Variant Classification Sherloc (09022015). Collection method: clinical testing. Allele origin: germline.
Comment: This sequence change falls in intron 9 of the NF1 gene. It does not directly change the encoded amino acid sequence of the NF1 protein. It affects a nucleotide within the consensus splice site of the intron. This variant is not present in population databases (ExAC no frequency). This variant has not been reported in the literature in individuals affected with NF1-related conditions. Nucleotide substitutions within the consensus splice site are a relatively common cause of aberrant splicing (PMID: 17576681, 9536098). Algorithms developed to predict the effect of sequence changes on RNA splicing suggest that this variant may disrupt the consensus splice site. In summary, the available evidence is currently insufficient to determine the role of this variant in disease. Therefore, it has been classified as a Variant of Uncertain Significance.

Literature cited by the submitters: PubMed 17576681; PubMed 9536098.